The following is an entry in ClinVar:

ClinVar aggregate classification (germline): Uncertain significance (1 of 4 stars; one submission).

Allele frequency attached by ClinVar (database versions not stated): gnomAD 0.00003; gnomAD exomes 0.00003; ExAC 0.00006; TOPMed 0.00008.
gnomAD v4.1: 44 of 1,611,080 alleles (0.0027%); highest among the groups gnomAD compares: Middle Eastern, 0.033%; no homozygotes.

Submission:

GeneDx
Classification: Uncertain significance. Last evaluated: 2023-01-24. Review status: criteria provided, single submitter. Criteria: GeneDx Variant Classification Process June 2021. Collection method: clinical testing. Allele origin: germline. Affected: yes.
Comment: In silico analysis supports that this missense variant has a deleterious effect on protein structure/function; Has not been previously published as pathogenic or benign to our knowledge

NM_001039141.3(TRIOBP):c.6748C>T (p.Arg2250Cys)

Gene: TRIOBP (TRIO and F-actin binding protein; plus strand). Cytogenetic location: 22q13.1.
Variant type: single nucleotide variant.
Coding change: c.6748C>T on transcript NM_001039141.3 (MANE Select); coding-DNA position 6748, C replaced by T.
Protein change: p.Arg2250Cys; replaces arginine 2250 with cysteine.
Molecular consequence: missense variant.
Genome position (GRCh38, 1-based): chr22:37,769,274, C>T. VCF-style: chr22-37769274-C-T. GRCh37 (hg19) VCF-style: chr22-38165281-C-T.
Other names: c.1609C>T, p.Arg537Cys (NM_007032.5); short protein forms R2250C, R537C.
Identifiers: ClinVar variation 2573770 (VCV002573770.1), dbSNP rs780856649, ClinGen allele CA10225178.